The following is an entry in ClinVar:

ClinVar aggregate classification (germline): Pathogenic/Likely pathogenic. Review status: criteria provided, multiple submitters, no conflicts (2 of 4 stars). 7 submissions from 7 submitters: Pathogenic (2); Likely pathogenic (4). 1 of the submissions does not count toward it. Last evaluated 2025-08-12.

Conditions:
HUWE1-related disorder. Also called: HUWE1-related condition.
Intellectual developmental disorder, X-linked, syndromic, Turner type. Also called: Intellectual disability, X-linked syndromic, Turner type; X-linked intellectual disability, Turner type. Identifiers: Orphanet 3056, Orphanet 85328, MedGen C2678046, MONDO:0010407, OMIM 309590.

Submissions (7):

Labcorp Genetics (formerly Invitae), Labcorp
Classification: Likely pathogenic. Last evaluated: 2025-08-12. Review status: criteria provided, single submitter. Criteria: Invitae Variant Classification Sherloc (09022015). Collection method: clinical testing. Allele origin: germline.
Comment: This sequence change replaces arginine, which is basic and polar, with tryptophan, which is neutral and slightly polar, at codon 4013 of the HUWE1 protein (p.Arg4013Trp). This variant is not present in population databases (gnomAD no frequency). This missense change has been observed in individual(s) with clinical features of HUWE1-related conditions (PMID: 7943042, 23721686). It has also been observed to segregate with disease in related individuals. This variant is also known as c.11707 C>T, p.R3903W. ClinVar contains an entry for this variant (Variation ID: 10676). Invitae Evidence Modeling of protein sequence and biophysical properties (such as structural, functional, and spatial information, amino acid conservation, physicochemical variation, residue mobility, and thermodynamic stability) indicates that this missense variant is expected to disrupt HUWE1 protein function with a positive predictive value of 95%. In summary, the currently available evidence indicates that the variant is pathogenic, but additional data are needed to prove that conclusively. Therefore, this variant has been classified as Likely Pathogenic.

GeneDx
Classification: Likely pathogenic. Last evaluated: 2025-02-03. Review status: criteria provided, single submitter. Criteria: GeneDx Variant Classification Process June 2021. Collection method: clinical testing. Allele origin: germline. Affected: yes.
Comment: Not observed at significant frequency in large population cohorts (gnomAD); In silico analysis supports that this missense variant has a deleterious effect on protein structure/function; This variant is associated with the following publications: (PMID: 23871722, 32336296, 19377476, 23721686, 7943042, 18252223)

Blueprint Genetics
Classification: Likely pathogenic for HUWE1-related disorders. Last evaluated: 2022-12-07. Review status: criteria provided, single submitter. Criteria: ACMG Guidelines, 2015. Collection method: clinical testing. Allele origin: germline. Affected: yes. Observed: 1 variant allele.

CeGaT Center for Human Genetics Tuebingen
Classification: Pathogenic. Last evaluated: 2022-12-01. Review status: criteria provided, single submitter. Criteria: CeGaT Center For Human Genetics Tuebingen Variant Classification Criteria Version 2. Collection method: clinical testing. Allele origin: germline. Affected: yes. Observed: 2 variant alleles.
Comment: HUWE1: PS2, PM2, PS4:Moderate, PP2, PP3

Laboratory of Molecular Genetics (Pr. Bezieau's lab), CHU de Nantes
Classification: Likely pathogenic. Last evaluated: 2020-02-10. Review status: criteria provided, single submitter. Criteria: ACMG Guidelines, 2015. Collection method: clinical testing. Allele origin: germline. Affected: yes.

Institute of Human Genetics Munich, TUM University Hospital
Classification: Pathogenic for Intellectual developmental disorder, X-linked, syndromic, Turner type. Last evaluated: 2020-01-16. Review status: criteria provided, single submitter. Criteria: Classification criteria August 2017. Collection method: clinical testing. Allele origin: maternal. Inheritance: X-linked inheritance. Affected: yes. Observed: 1 hemizygote.

OMIM
Classification: Pathogenic for INTELLECTUAL DEVELOPMENTAL DISORDER, X-LINKED, SYNDROMIC, TURNER TYPE. Last evaluated: 2008-02-01. Review status: no assertion criteria provided. Collection method: literature only. Allele origin: germline. Not counted in ClinVar's aggregate classification.

Literature cited by the submitters: PubMed 7943042 (cited by Labcorp Genetics (formerly Invitae), Labcorp and OMIM); PubMed 23721686 (cited by Labcorp Genetics (formerly Invitae), Labcorp); PubMed 18252223 (cited by OMIM).

NM_031407.7(HUWE1):c.12037C>T (p.Arg4013Trp)

Gene: HUWE1 (HECT, UBA and WWE domain containing E3 ubiquitin protein ligase 1; minus strand). Cytogenetic location: Xp11.22.
Variant type: single nucleotide variant.
Coding change: c.12037C>T on transcript NM_031407.7 (MANE Select); coding-DNA position 12037, C replaced by T.
Protein change: p.Arg4013Trp; replaces arginine 4013 with tryptophan.
Molecular consequence: missense variant.
Genome position (GRCh38, 1-based): chrX:53,537,656, G>A on the plus strand (C>T on the coding strand, the complement: HUWE1 is on the minus strand). VCF-style: chrX-53537656-G-A. GRCh37 (hg19) VCF-style: chrX-53564617-G-A.
Other names: c.12037C>T (NM_031407.4); short protein forms R4013W.
Identifiers: ClinVar variation 10676 (VCV000010676.51), dbSNP rs121918525, ClinGen allele CA121140.